The following is an entry in ClinVar:

NM_052963.3(TOP1MT):c.718G>A (p.Val240Met)

Gene: TOP1MT (DNA topoisomerase I mitochondrial; minus strand). Cytogenetic location: 8q24.3.
Variant type: single nucleotide variant.
Coding change: c.718G>A on transcript NM_052963.3 (MANE Select); coding-DNA position 718, G replaced by A.
Protein change: p.Val240Met; replaces valine 240 with methionine.
Molecular consequence: missense variant.
Genome position (GRCh38, 1-based): chr8:143,324,583, C>T on the plus strand (G>A on the coding strand, the complement: TOP1MT is on the minus strand). VCF-style: chr8-143324583-C-T. GRCh37 (hg19) VCF-style: chr8-144406753-C-T.
Other names: c.424G>A, p.Val142Met (NM_001258446.1, NM_001258447.1); short protein forms V240M, V142M.
Identifiers: ClinVar variation 4694391 (VCV004694391.1).

ClinVar aggregate classification (germline): Uncertain significance (1 of 4 stars; one submission).

gnomAD v4.1: 6 of 1,613,640 alleles (0.00037%); highest among the groups gnomAD compares: Admixed American, 0.0067%; no homozygotes.

Submission:

Labcorp Genetics (formerly Invitae), Labcorp
Classification: Uncertain significance. Last evaluated: 2025-08-19. Review status: criteria provided, single submitter. Criteria: Invitae Variant Classification Sherloc (09022015). Collection method: clinical testing. Allele origin: germline.
Comment: This sequence change replaces valine, which is neutral and non-polar, with methionine, which is neutral and non-polar, at codon 240 of the TOP1MT protein (p.Val240Met). This variant is not present in population databases (gnomAD no frequency). This variant has not been reported in the literature in individuals affected with TOP1MT-related conditions. Invitae Evidence Modeling of protein sequence and biophysical properties (such as structural, functional, and spatial information, amino acid conservation, physicochemical variation, residue mobility, and thermodynamic stability) indicates that this missense variant is expected to disrupt TOP1MT protein function with a positive predictive value of 80%. In summary, the available evidence is currently insufficient to determine the role of this variant in disease. Therefore, it has been classified as a Variant of Uncertain Significance.